The following is an entry in ClinVar:

ClinVar aggregate classification (germline): Benign/Likely benign. Review status: criteria provided, multiple submitters, no conflicts (2 of 4 stars). 9 submissions from 9 submitters: Benign (8); Likely benign (1). Last evaluated 2026-02-03.

Conditions:
Aicardi-Goutieres syndrome 4. Identifiers: Orphanet 51, MedGen C1835912, MONDO:0012472, OMIM 610333.

Allele frequency attached by ClinVar (database versions not stated): ESP Exome Variant Server 0.01761; gnomAD 0.02157 and 0.02171; 1000 Genomes Project 0.02177; gnomAD exomes 0.02197 and 0.02928; TOPMed 0.02359; 1000 Genomes Project 30x 0.02405; ExAC 0.02680.
gnomAD v4.1: 35,281 of 1,614,052 alleles (2.2%); highest among the groups gnomAD compares: Admixed American, 7.7%; 505 homozygotes.

Submissions (9):

Labcorp Genetics (formerly Invitae), Labcorp
Classification: Benign for Aicardi-Goutieres syndrome 4. Last evaluated: 2026-02-03. Review status: criteria provided, single submitter. Criteria: Invitae Variant Classification Sherloc (09022015). Collection method: clinical testing. Allele origin: germline.

Women's Health and Genetics/Laboratory Corporation of America, LabCorp
Classification: Benign. Last evaluated: 2026-01-21. Review status: criteria provided, single submitter. Criteria: LabCorp Variant Classification Summary - May 2015. Collection method: clinical testing. Allele origin: germline.

Blueprint Genetics
Classification: Likely benign. Last evaluated: 2024-11-28. Review status: criteria provided, single submitter. Criteria: ACMG Guidelines, 2015. Collection method: clinical testing. Allele origin: germline.

Mayo Clinic Laboratories, Mayo Clinic
Classification: Benign. Last evaluated: 2022-09-06. Review status: criteria provided, single submitter. Criteria: ACMG Guidelines, 2015. Collection method: clinical testing. Allele origin: germline. Observed: 23 variant alleles.

Athena Diagnostics
Classification: Benign. Last evaluated: 2018-08-31. Review status: criteria provided, single submitter. Criteria: Athena Diagnostics Criteria. Collection method: clinical testing. Allele origin: germline.

Illumina Laboratory Services, Illumina
Classification: Benign for Aicardi-Goutieres syndrome 4. Last evaluated: 2018-01-13. Review status: criteria provided, single submitter. Criteria: ICSL Variant Classification Criteria 13 December 2019. Collection method: clinical testing. Allele origin: germline.
Comment: This variant was observed in the ICSL laboratory as part of a predisposition screen in an ostensibly healthy population. It had not been previously curated by ICSL or reported in the Human Gene Mutation Database (HGMD: prior to June 1st, 2018), and was therefore a candidate for classification through an automated scoring system. Utilizing variant allele frequency, disease prevalence and penetrance estimates, and inheritance mode, an automated score was calculated to assess if this variant is too frequent to cause the disease. Based on the score and internal cut-off values, a variant classified as benign is not then subjected to further curation. The score for this variant resulted in a classification of benign for this disease.

Laboratory for Molecular Medicine, Mass General Brigham Personalized Medicine
Classification: Benign. Last evaluated: 2016-03-29. Review status: criteria provided, single submitter. Criteria: LMM Criteria. Collection method: clinical testing. Allele origin: germline.
Comment: Variant identified in a genome or exome case(s) and assessed due to predicted null impact of the variant or pathogenic assertions in the literature or databases. Disclaimer: This variant has not undergone full assessment. The following are preliminary notes: Frequency

GeneDx
Classification: Benign. Last evaluated: 2015-03-03. Review status: criteria provided, single submitter. Criteria: GeneDx Variant Classification Process June 2021. Collection method: clinical testing. Allele origin: germline. Affected: yes.

Breakthrough Genomics
Classification: Benign. Review status: criteria provided, single submitter. Criteria: ACMG Guidelines, 2015. Collection method: not provided. Allele origin: germline. Inheritance: Autosomal recessive inheritance. Affected: yes.

NM_006397.3(RNASEH2A):c.777C>T (p.Ser259=)

Gene: RNASEH2A (ribonuclease H2 subunit A; plus strand). Cytogenetic location: 19p13.13.
Variant type: single nucleotide variant.
Coding change: c.777C>T on transcript NM_006397.3 (MANE Select); coding-DNA position 777, C replaced by T.
Protein change: p.Ser259=; no amino-acid change (serine 259 retained).
Molecular consequence: synonymous variant.
Genome position (GRCh38, 1-based): chr19:12,813,343, C>T. VCF-style: chr19-12813343-C-T. GRCh37 (hg19) VCF-style: chr19-12924157-C-T.
Other names: p.Ser259=.
Identifiers: ClinVar variation 328297 (VCV000328297.23), dbSNP rs76634951, ClinGen allele CA9232043.